The following is an entry in ClinVar:

ClinVar aggregate classification (germline): Likely benign. Review status: criteria provided, multiple submitters, no conflicts (2 of 4 stars). 2 submissions from 2 submitters: Likely benign (2). Last evaluated 2024-06-24.

Conditions:
Developmental and epileptic encephalopathy, 42 (DEE42A). Also called: Epileptic encephalopathy, early infantile, 42; DEVELOPMENTAL AND EPILEPTIC ENCEPHALOPATHY 42A; EPILEPTIC ENCEPHALOPATHY, EARLY INFANTILE, 42A. Identifiers: MedGen C4310716, MONDO:0014917, OMIM 617106.
Episodic ataxia type 2 (EA2). Also called: ATAXIA, EPISODIC, WITH NYSTAGMUS; ATAXIA, FAMILIAL PAROXYSMAL; CEREBELLAR ATAXIA, PAROXYSMAL, ACETAZOLAMIDE-RESPONSIVE; CEREBELLOPATHY, HEREDITARY PAROXYSMAL; EPISODIC ATAXIA, NYSTAGMUS-ASSOCIATED; ACETAZOLAMIDE-RESPONSIVE HEREDITARY PAROXYSMAL CEREBELLAR ATAXIA. Identifiers: Orphanet 97, MedGen C1720416, MONDO:0007163, OMIM 108500.

Submissions (2):

Labcorp Genetics (formerly Invitae), Labcorp
Classification: Likely benign for Developmental and epileptic encephalopathy, 42; Episodic ataxia type 2. Last evaluated: 2024-06-24. Review status: criteria provided, single submitter. Criteria: Invitae Variant Classification Sherloc (09022015). Collection method: clinical testing. Allele origin: germline.

GeneDx
Classification: Likely benign. Last evaluated: 2017-02-27. Review status: criteria provided, single submitter. Criteria: GeneDx Variant Classification (06012015). Collection method: clinical testing. Allele origin: germline. Affected: yes.
Comment: This variant is considered likely benign or benign based on one or more of the following criteria: it is a conservative change, it occurs at a poorly conserved position in the protein, it is predicted to be benign by multiple in silico algorithms, and/or has population frequency not consistent with disease.

NM_001127222.2(CACNA1A):c.2787C>T (p.His929=)

Gene: CACNA1A (calcium voltage-gated channel subunit alpha1 A; minus strand). Cytogenetic location: 19p13.13.
Variant type: single nucleotide variant.
Coding change: c.2787C>T on transcript NM_001127222.2 (MANE Select); coding-DNA position 2787, C replaced by T.
Protein change: p.His929=; no amino-acid change (histidine 929 retained).
Molecular consequence: synonymous variant.
Genome position (GRCh38, 1-based): chr19:13,298,846, G>A on the plus strand (C>T on the coding strand, the complement: CACNA1A is on the minus strand). VCF-style: chr19-13298846-G-A. GRCh37 (hg19) VCF-style: chr19-13409660-G-A.
Other names: c.2799C>T, p.His933= (NM_000068.4, NM_023035.3); c.2790C>T, p.His930= (NM_001127221.2, NM_001174080.2).
Identifiers: ClinVar variation 507583 (VCV000507583.9), dbSNP rs1555756078, ClinGen allele CA505785034.
Genomic context (GRCh38, chr19:13,298,846, plus strand): 5'-CGTGCGCGGGGACCCGCTGCGGCTCTCCCTGCTGCCCCCCTGCCGGTGCACGTGCCTCCG[G>A]TGGGGGTCCCCGGCCTTGCCTCGCTCGGCCTCGCCCTCCCAGAACCCGGGTTGCTCCAGG-3'
Protein context (NP_001120694.1, residues 919-939): EAERGKAGDP[His929=]RRHVHRQGGS